The following is an entry in ClinVar:

ClinVar aggregate classification (germline): Likely benign. Review status: criteria provided, multiple submitters, no conflicts (2 of 4 stars). 3 submissions from 3 submitters: Likely benign (3). Last evaluated 2025-04-11.

Allele frequency attached by ClinVar (database versions not stated): ESP Exome Variant Server 0.00008; ExAC 0.00004; gnomAD 0.00005.
gnomAD v4.1: 33 of 1,612,972 alleles (0.002%); highest among the groups gnomAD compares: Admixed American, 0.013%; no homozygotes.

Submissions (3):

Labcorp Genetics (formerly Invitae), Labcorp
Classification: Likely benign. Last evaluated: 2025-04-11. Review status: criteria provided, single submitter. Criteria: Invitae Variant Classification Sherloc (09022015). Collection method: clinical testing. Allele origin: germline.

Blueprint Genetics
Classification: Likely benign. Last evaluated: 2024-11-06. Review status: criteria provided, single submitter. Criteria: ACMG Guidelines, 2015. Collection method: clinical testing. Allele origin: germline.

CeGaT Center for Human Genetics Tuebingen
Classification: Likely benign. Last evaluated: 2024-09-01. Review status: criteria provided, single submitter. Criteria: CeGaT Center For Human Genetics Tuebingen Variant Classification Criteria Version 2. Collection method: clinical testing. Allele origin: germline. Affected: yes. Observed: 1 variant allele.
Comment: KMT2E: BP4, BP7

NM_182931.3(KMT2E):c.4998G>A (p.Ser1666=)

Gene: KMT2E (lysine methyltransferase 2E (inactive); plus strand). Cytogenetic location: 7q22.3.
Variant type: single nucleotide variant.
Coding change: c.4998G>A on transcript NM_182931.3 (MANE Select); coding-DNA position 4998, G replaced by A.
Protein change: p.Ser1666=; no amino-acid change (serine 1666 retained).
Molecular consequence: synonymous variant.
Genome position (GRCh38, 1-based): chr7:105,112,754, G>A. VCF-style: chr7-105112754-G-A. GRCh37 (hg19) VCF-style: chr7-104753201-G-A.
Other names: c.4872G>A, p.Ser1624= (NM_001410908.1); c.4998G>A, p.Ser1666= (NM_018682.4).
Identifiers: ClinVar variation 2903644 (VCV002903644.18), dbSNP rs147477523, ClinGen allele CA4424880.